The following is an entry in ClinVar:

NM_000256.3(MYBPC3):c.1884G>A (p.Lys628=)

Gene: MYBPC3 (myosin binding protein C3; minus strand). Cytogenetic location: 11p11.2.
Variant type: single nucleotide variant.
Coding change: c.1884G>A on transcript NM_000256.3 (MANE Select); coding-DNA position 1884, G replaced by A.
Protein change: p.Lys628=; no amino-acid change (lysine 628 retained).
Molecular consequence: synonymous variant.
Genome position (GRCh38, 1-based): chr11:47,341,151, C>T on the plus strand (G>A on the coding strand, the complement: MYBPC3 is on the minus strand). VCF-style: chr11-47341151-C-T. GRCh37 (hg19) VCF-style: chr11-47362702-C-T.
Identifiers: ClinVar variation 748390 (VCV000748390.7), dbSNP rs1595845517, ClinGen allele CA474218161.
Genomic context (GRCh38, chr11:47,341,151, plus strand): 5'-CTCCTGGCCCCACTGCCCCGACCCACCCTACCCTGGAGCAGGCTCACCCATGAAGTGGAG[C>T]TTGGCTGACAGGTTGCAGGCGAAGCCCTCGGGCACAAAGCTGTAGTCAGCCTCGTCGGCA-3'
Protein context (NP_000247.2, residues 618-638): PEGFACNLSA[Lys628=]LHFMEVKIDF

ClinVar aggregate classification (germline): Likely benign. Review status: criteria provided, multiple submitters, no conflicts (2 of 4 stars). 2 submissions from 2 submitters: Likely benign (2). Last evaluated 2023-04-28.

Conditions:
Hypertrophic cardiomyopathy. Also called: HYPERTROPHIC MYOCARDIOPATHY. Identifiers: Orphanet 217569, MedGen C0007194, MeSH D002312, MONDO:0005045, HP:0001639.

Submissions (2):

All of Us Research Program, National Institutes of Health
Classification: Likely benign for Hypertrophic cardiomyopathy. Last evaluated: 2023-04-28. Review status: criteria provided, single submitter. Criteria: ACMG Guidelines, 2015. Collection method: clinical testing. Allele origin: germline. Inheritance: Autosomal dominant inheritance. Observed: 1 variant allele, 1 heterozygote.
Comment: This study involves interpretation of variants in research participants for the purpose of population health screening. Participant phenotype was not available at the time of variant classification. Additional details can be found in publication PMID: 35346344, PMCID: PMC8962531

Labcorp Genetics (formerly Invitae), Labcorp
Classification: Likely benign for Hypertrophic cardiomyopathy. Last evaluated: 2018-05-10. Review status: criteria provided, single submitter. Criteria: Invitae Variant Classification Sherloc (09022015). Collection method: clinical testing. Allele origin: germline.